The following is an entry in ClinVar:

ClinVar aggregate classification (germline): Uncertain significance (1 of 4 stars; one submission).

Conditions:
Neuroblastoma, susceptibility to, 3. Also called: ALK-Related Neuroblastic Tumor Susceptibility. Identifiers: Orphanet 635, MedGen C2751681, MONDO:0013083, OMIM 613014.

Submission:

Labcorp Genetics (formerly Invitae), Labcorp
Classification: Uncertain significance for Neuroblastoma, susceptibility to, 3. Last evaluated: 2023-03-17. Review status: criteria provided, single submitter. Criteria: Invitae Variant Classification Sherloc (09022015). Collection method: clinical testing. Allele origin: germline.
Comment: Experimental studies and prediction algorithms are not available or were not evaluated, and the functional significance of this variant is currently unknown. This variant has not been reported in the literature in individuals affected with ALK-related conditions. This variant is not present in population databases (gnomAD no frequency). This sequence change creates a premature translational stop signal (p.Leu101Serfs*20) in the ALK gene. It is expected to result in an absent or disrupted protein product. However, the current clinical and genetic evidence is not sufficient to establish whether loss-of-function variants in ALK cause disease. In summary, the available evidence is currently insufficient to determine the role of this variant in disease. Therefore, it has been classified as a Variant of Uncertain Significance.

NM_004304.5(ALK):c.302_323del (p.Leu101fs)

Gene: ALK (ALK receptor tyrosine kinase; minus strand). Cytogenetic location: 2p23.1.
Variant type: Deletion.
Coding change: c.302_323del on transcript NM_004304.5 (MANE Select); coding-DNA positions 302 to 323, 22 bases deleted (TGCTGGGGCCGGCGCCGGGGGT).
Protein change: p.Leu101fs; shifts the reading frame from leucine 101.
Molecular consequence: frameshift variant.
Genome position (GRCh38, 1-based): chr2:29,920,337-29,920,358, ACCCCCGGCGCCGGCCCCAGCA deleted on the plus strand (TGCTGGGGCCGGCGCCGGGGGT on the coding strand, the reverse complement: ALK is on the minus strand); deleting any 22 consecutive bases within chr2:29,920,337-29,920,361 gives the same sequence; the c. name uses the placement nearest the transcript's 3' end. VCF-style (leftmost placement, unchanged base first): chr2-29920336-GACCCCCGGCGCCGGCCCCAGCA-G. GRCh37 (hg19) VCF-style: chr2-30143202-GACCCCCGGCGCCGGCCCCAGCA-G.
Other names: short protein forms L101fs.
Identifiers: ClinVar variation 2842585 (VCV002842585.3), dbSNP rs2465866694, ClinGen allele CA2739274303.